The following is an entry in ClinVar:

NM_000540.3(RYR1):c.10317C>T (p.Gly3439=)

Gene: RYR1 (ryanodine receptor 1; plus strand). Cytogenetic location: 19q13.2.
Variant type: single nucleotide variant.
Coding change: c.10317C>T on transcript NM_000540.3 (MANE Select); coding-DNA position 10317, C replaced by T.
Protein change: p.Gly3439=; no amino-acid change (glycine 3439 retained).
Molecular consequence: synonymous variant.
Genome position (GRCh38, 1-based): chr19:38,523,085, C>T. VCF-style: chr19-38523085-C-T. GRCh37 (hg19) VCF-style: chr19-39013725-C-T.
Other names: c.10317C>T, p.Gly3439= (NM_001042723.2).
Identifiers: ClinVar variation 2856117 (VCV002856117.4), dbSNP rs1174927393, ClinGen allele CA507247570.

ClinVar aggregate classification (germline): Conflicting classifications of pathogenicity. Review status: criteria provided, conflicting classifications (1 of 4 stars). 2 submissions from 2 submitters: Uncertain significance (1); Likely benign (1). Last evaluated 2025-06-09.

Conditions:
Malignant hyperthermia, susceptibility to, 1 (MHS1). Also called: RYR1-Related Malignant Hyperthermia Susceptibility; Anesthesia related hyperthermia; Malignant hyperpyrexia; Fulminating hyperpyrexia; Pharmacogenic myopathy; Malignant hyperthermia suceptibility 1. Identifiers: Orphanet 423, MedGen C2930980, MONDO:0007783, OMIM 145600.
RYR1-related disorder. Also called: RYR1-related condition; RYR1-related disorders. Identifiers: MedGen CN239331.

Allele frequency attached by ClinVar (database versions not stated): gnomAD exomes below 0.00001; gnomAD 0.00001; TOPMed 0.00001.
gnomAD v4.1: 7 of 1,612,318 alleles (0.00043%); highest among the groups gnomAD compares: African/African-American, 0.0013%; no homozygotes.

Submissions (2):

Color Diagnostics, LLC DBA Color Health
Classification: Uncertain significance for Malignant hyperthermia, susceptibility to, 1. Last evaluated: 2025-06-09. Review status: criteria provided, single submitter. Criteria: ACMG Guidelines, 2015. Collection method: clinical testing. Allele origin: germline.
Comment: This variant is located in the RYR1 protein. To our knowledge, functional studies have not been reported for this variant. This variant has not been reported in individuals affected with RYR1-related disorders in the literature. This variant has not been identified in the general population by the Genome Aggregation Database (gnomAD). The available evidence is insufficient to determine the role of this variant in disease conclusively. Therefore, this variant is classified as a Variant of Uncertain Significance.

Labcorp Genetics (formerly Invitae), Labcorp
Classification: Likely benign for RYR1-related disorder. Last evaluated: 2024-07-03. Review status: criteria provided, single submitter. Criteria: Invitae Variant Classification Sherloc (09022015). Collection method: clinical testing. Allele origin: germline.